The following is an entry in ClinVar:

ClinVar aggregate classification (germline): Pathogenic (1 of 4 stars; one submission).

Conditions:
Retinitis pigmentosa 25 (RP25). Identifiers: Orphanet 791, MedGen C1864446, MONDO:0011272, OMIM 602772.

Submission:

Myriad Genetics, Inc.
Classification: Pathogenic for Retinitis pigmentosa 25. Last evaluated: 2025-03-06. Review status: criteria provided, single submitter. Criteria: Myriad Autosomal Dominant, Autosomal Recessive and X-Linked Classification Criteria (2023). Collection method: clinical testing. Allele origin: unknown.
Comment: NM_001142800.1(EYS):c.389delT(L130Qfs*12) is a frameshift variant classified as pathogenic in the context of retinitis pigmentosa, EYS-related. L130Qfs*12 has not been observed in cases with relevant disease. Relevant functional assessments of this variant are not available in the literature. L130Qfs*12 has not been observed in referenced population frequency databases. In summary, NM_001142800.1(EYS):c.389delT(L130Qfs*12) is a frameshift variant in a gene where loss of function is a known mechanism of disease and is predicted to disrupt protein function. Please note: this variant was assessed in the context of healthy population screening.

NM_001142800.2(EYS):c.389del (p.Leu130fs)

Gene: EYS (EGF-like photoreceptor maintenance factor; minus strand). Cytogenetic location: 6q12.
Variant type: Deletion.
Coding change: c.389del on transcript NM_001142800.2 (MANE Select); coding-DNA position 389, one base deleted (T; older notation c.389delT).
Protein change: p.Leu130fs; shifts the reading frame from leucine 130.
Molecular consequence: frameshift variant.
Genome position (GRCh38, 1-based): chr6:65,495,022, A deleted on the plus strand (T on the coding strand, the reverse complement: EYS is on the minus strand). VCF-style (leftmost placement, unchanged base first): chr6-65495021-TA-T. GRCh37 (hg19) VCF-style: chr6-66204914-TA-T.
Other names: c.389del, p.Leu130fs (NM_001142801.2, NM_001292009.2, NM_198283.2); short protein forms L130fs.
Identifiers: ClinVar variation 4081649 (VCV004081649.1).